The following is an entry in ClinVar:

ClinVar aggregate classification (germline): Uncertain significance. Review status: criteria provided, multiple submitters, no conflicts (2 of 4 stars). 2 submissions from 2 submitters: Uncertain significance (2). Last evaluated 2026-03-12.

Conditions:
TUBB2B-related disorder. Also called: TUBB2B-related condition.

Submissions (2):

PreventionGenetics, part of Exact Sciences
Classification: Uncertain significance for TUBB2B-related condition. Last evaluated: 2026-03-12. Review status: criteria provided, single submitter. Criteria: ACMG Guidelines, 2015. Collection method: clinical testing. Allele origin: germline.
Comment: The TUBB2B c.541G>A variant is predicted to result in the amino acid substitution p.Glu181Lys. To our knowledge, this variant has not been reported in the literature or in a large population database (gnomAD), indicating it is rare. An adjacent substitution (p.Val180Met) was reported with de novo occurrence in a fetus with complete agenesis of the corpus collosum and subependymal cysts, indicating this region may be sensitive to deleterious variants (Lei et al. 2022. PubMed ID: 35088901). At this time, the clinical significance of this variant is uncertain due to the absence of conclusive functional and genetic evidence.

Blueprint Genetics
Classification: Uncertain significance. Last evaluated: 2022-08-30. Review status: criteria provided, single submitter. Criteria: ACMG Guidelines, 2015. Collection method: clinical testing. Allele origin: germline.

NM_178012.5(TUBB2B):c.541G>A (p.Glu181Lys)

Gene: TUBB2B (tubulin beta 2B class IIb; minus strand). Cytogenetic location: 6p25.2.
Variant type: single nucleotide variant.
Coding change: c.541G>A on transcript NM_178012.5 (MANE Select); coding-DNA position 541, G replaced by A.
Protein change: p.Glu181Lys; replaces glutamic acid 181 with lysine.
Molecular consequence: missense variant.
Genome position (GRCh38, 1-based): chr6:3,225,548, C>T on the plus strand (G>A on the coding strand, the complement: TUBB2B is on the minus strand). VCF-style: chr6-3225548-C-T. GRCh37 (hg19) VCF-style: chr6-3225782-C-T.
Other names: short protein forms E181K.
Identifiers: ClinVar variation 2631106 (VCV002631106.5), dbSNP rs2533617544, ClinGen allele CA362588099.